The following is an entry in ClinVar:

ClinVar aggregate classification (germline): Uncertain significance (1 of 4 stars; one submission).

Conditions:
Hereditary cancer-predisposing syndrome. Also called: Tumor predisposition; Hereditary neoplastic syndrome; Neoplastic Syndromes, Hereditary; Hereditary Cancer Syndrome. Identifiers: Orphanet 140162, MedGen C0027672, MeSH D009386, MONDO:0015356.

Submission:

Ambry Genetics
Classification: Uncertain significance for Hereditary cancer-predisposing syndrome. Last evaluated: 2025-03-22. Review status: criteria provided, single submitter. Criteria: Ambry Variant Classification Scheme 2023. Collection method: clinical testing. Allele origin: germline.
Comment: The p.S381R variant (also known as c.1143T>G), located in coding exon 4 of the BARD1 gene, results from a T to G substitution at nucleotide position 1143. The serine at codon 381 is replaced by arginine, an amino acid with dissimilar properties. This amino acid position is conserved. In addition, this alteration is predicted to be tolerated by in silico analysis. Based on the available evidence, the clinical significance of this variant remains unclear.

NM_000465.4(BARD1):c.1143T>G (p.Ser381Arg)

Gene: BARD1 (BRCA1 associated RING domain 1; minus strand). Cytogenetic location: 2q35.
Variant type: single nucleotide variant.
Coding change: c.1143T>G on transcript NM_000465.4 (MANE Select); coding-DNA position 1143, T replaced by G.
Protein change: p.Ser381Arg; replaces serine 381 with arginine.
Molecular consequence: missense variant. On other transcripts: non-coding transcript variant (2), intron variant (3).
Genome position (GRCh38, 1-based): chr2:214,780,731, A>C on the plus strand (T>G on the coding strand, the complement: BARD1 is on the minus strand). VCF-style: chr2-214780731-A-C. GRCh37 (hg19) VCF-style: chr2-215645455-A-C.
Other names: c.1086T>G, p.Ser362Arg (NM_001282543.2); c.159-28176T>G (NM_001282548.2); c.215+16330T>G (NM_001282545.2); c.364+11566T>G (NM_001282549.2); short protein forms S362R, S381R.
Identifiers: ClinVar variation 3988280 (VCV003988280.1).
Genomic context (GRCh38, chr2:214,780,731, plus strand): 5'-ACTACTTAATGTAGAAGGTGGTGTACCTGGTGAAAGACTAATGAATTCATCGGACATGTT[A>C]CTGTTTTTCCTCCCTGATGTACCACCAACTTTACGTTTGCATGAAGGTGGTGAAGAACAT-3'
Protein context (NP_000456.2, residues 371-391): KVGGTSGRKN[Ser381Arg]NMSDEFISLS